The following is an entry in ClinVar:

NM_006231.4(POLE):c.1360-2dup

Gene: POLE (DNA polymerase epsilon, catalytic subunit; minus strand). Cytogenetic location: 12q24.33.
Variant type: Duplication.
Coding change: c.1360-2dup on transcript NM_006231.4 (MANE Select); the canonical splice acceptor site of the intron before coding-DNA position 1360, one base duplicated (A; older notation c.1360-2dupA).
Molecular consequence: splice acceptor variant.
Genome position (GRCh38, 1-based): chr12:132,673,279, T duplicated on the plus strand (A on the coding strand, the reverse complement: POLE is on the minus strand). VCF-style (leftmost placement, unchanged base first): chr12-132673278-C-CT. GRCh37 (hg19) VCF-style: chr12-133249864-C-CT.
Identifiers: ClinVar variation 1021920 (VCV001021920.7), dbSNP rs2042973091, ClinGen allele CA2073001674.

ClinVar aggregate classification (germline): Uncertain significance (1 of 4 stars; one submission).

Submission:

Labcorp Genetics (formerly Invitae), Labcorp
Classification: Uncertain significance. Last evaluated: 2020-08-11. Review status: criteria provided, single submitter. Criteria: Invitae Variant Classification Sherloc (09022015). Collection method: clinical testing. Allele origin: germline.
Comment: In summary, the available evidence is currently insufficient to determine the role of this variant in disease. Therefore, it has been classified as a Variant of Uncertain Significance. Nucleotide substitutions within the consensus splice site are a relatively common cause of aberrant splicing (PMID: 17576681, 9536098). Algorithms developed to predict the effect of sequence changes on RNA splicing suggest that this variant may disrupt the consensus splice site, but this prediction has not been confirmed by published transcriptional studies. This variant has not been reported in the literature in individuals with POLE-related conditions. This variant is not present in population databases (ExAC no frequency). This sequence change falls in intron 13 of the POLE gene. It does not directly change the encoded amino acid sequence of the POLE protein, but it affects a nucleotide within the consensus splice site of the intron.

Literature cited by the submitters: PubMed 17576681; PubMed 9536098.